The following is an entry in ClinVar:

NM_006080.3(SEMA3A):c.987G>A (p.Thr329=)

Gene: SEMA3A (semaphorin 3A; minus strand). Cytogenetic location: 7q21.11.
Variant type: single nucleotide variant.
Coding change: c.987G>A on transcript NM_006080.3 (MANE Select); coding-DNA position 987, G replaced by A.
Protein change: p.Thr329=; no amino-acid change (threonine 329 retained).
Molecular consequence: synonymous variant.
Genome position (GRCh38, 1-based): chr7:84,011,030, C>T on the plus strand (G>A on the coding strand, the complement: SEMA3A is on the minus strand). VCF-style: chr7-84011030-C-T. GRCh37 (hg19) VCF-style: chr7-83640346-C-T.
Identifiers: ClinVar variation 3354301 (VCV003354301.1).

ClinVar aggregate classification (germline): Likely benign (0 of 4 stars; one submission).

Conditions:
SEMA3A-related disorder. Also called: SEMA3A-related condition.

gnomAD v4.1: 19 of 1,605,970 alleles (0.0012%); highest among the groups gnomAD compares: Admixed American, 0.0034%; no homozygotes.

Submission:

PreventionGenetics, part of Exact Sciences
Classification: Likely benign for SEMA3A-related condition. Last evaluated: 2024-05-10. Review status: no assertion criteria provided. Collection method: clinical testing. Allele origin: germline.
Comment: This variant is classified as likely benign based on ACMG/AMP sequence variant interpretation guidelines (Richards et al. 2015 PMID: 25741868, with internal and published modifications).